The following is an entry in ClinVar:

ClinVar aggregate classification (germline): Pathogenic (1 of 4 stars; one submission).

Submission:

Labcorp Genetics (formerly Invitae), Labcorp
Classification: Pathogenic. Last evaluated: 2023-11-09. Review status: criteria provided, single submitter. Criteria: Invitae Variant Classification Sherloc (09022015). Collection method: clinical testing. Allele origin: germline.
Comment: This sequence change creates a premature translational stop signal (p.Trp342*) in the ETV6 gene. It is expected to result in an absent or disrupted protein product. Loss-of-function variants in ETV6 are known to be pathogenic (PMID: 26102509, 27365488, 29034503). This variant is not present in population databases (gnomAD no frequency). This premature translational stop signal has been observed in individual(s) with leukemia (PMID: 32693409). For these reasons, this variant has been classified as Pathogenic.

Literature cited by the submitters: PubMed 26102509; PubMed 27365488; PubMed 29034503; PubMed 32693409.

NM_001987.5(ETV6):c.1026G>A (p.Trp342Ter)

Genes: ETV6 (ETS variant transcription factor 6; plus strand), LOC126861452 (CDK7 strongly-dependent group 2 enhancer GRCh37_chr12:12037195-12038394; plus strand). Cytogenetic location: 12p13.2.
Variant type: single nucleotide variant.
Coding change: c.1026G>A on transcript NM_001987.5 (MANE Select); coding-DNA position 1026, G replaced by A.
Protein change: p.Trp342Ter; replaces tryptophan 342 with a stop codon.
Molecular consequence: nonsense. On other transcripts: intron variant (1).
Genome position (GRCh38, 1-based): chr12:11,884,461, G>A. VCF-style: chr12-11884461-G-A. GRCh37 (hg19) VCF-style: chr12-12037395-G-A.
Other names: c.1023G>A, p.Trp341Ter (NM_001413913.1); c.999G>A, p.Trp333Ter (NM_001413914.1); c.762G>A, p.Trp254Ter (NM_001413915.1); c.1010-6480G>A (NM_001413917.1); short protein forms W254*, W333*, W342*, W341*.
Identifiers: ClinVar variation 2694596 (VCV002694596.3), dbSNP rs2136595276, ClinGen allele CA384044493.